The following is an entry in ClinVar:

NM_033409.4(SLC52A3):c.514A>G (p.Ile172Val)

Gene: SLC52A3 (solute carrier family 52 member 3; minus strand). Cytogenetic location: 20p13.
Variant type: single nucleotide variant.
Coding change: c.514A>G on transcript NM_033409.4 (MANE Select); coding-DNA position 514, A replaced by G.
Protein change: p.Ile172Val; replaces isoleucine 172 with valine.
Molecular consequence: missense variant.
Genome position (GRCh38, 1-based): chr20:765,261, T>C on the plus strand (A>G on the coding strand, the complement: SLC52A3 is on the minus strand). VCF-style: chr20-765261-T-C. GRCh37 (hg19) VCF-style: chr20-745905-T-C.
Other names: c.514A>G, p.Ile172Val (NM_001370085.1, NM_001370086.1); short protein forms I172V.
Identifiers: ClinVar variation 960645 (VCV000960645.7), dbSNP rs201479216, ClinGen allele CA9724764.

ClinVar aggregate classification (germline): Uncertain significance (1 of 4 stars; one submission).

Conditions:
Brown-Vialetto-van Laere syndrome 1. Also called: BROWN-VIALETTO-VAN LAERE SYNDROME 1, MILD; BULBAR PALSY, PROGRESSIVE, WITH SENSORINEURAL DEAFNESS; PONTOBULBAR PALSY WITH DEAFNESS. Identifiers: Orphanet 572550, Orphanet 97229, MedGen C0796274, MONDO:0024537, OMIM 211530.

Allele frequency attached by ClinVar (database versions not stated): gnomAD exomes below 0.00001; ExAC 0.00001; gnomAD 0.00002 and 0.00003; TOPMed 0.00002; 1000 Genomes Project 0.00020; 1000 Genomes Project 30x 0.00031.
gnomAD v4.1: 47 of 1,614,076 alleles (0.0029%); highest among the groups gnomAD compares: Non-Finnish European, 0.0039%; no homozygotes.

Submission:

Labcorp Genetics (formerly Invitae), Labcorp
Classification: Uncertain significance for Brown-Vialetto-van Laere syndrome 1. Last evaluated: 2022-07-26. Review status: criteria provided, single submitter. Criteria: Invitae Variant Classification Sherloc (09022015). Collection method: clinical testing. Allele origin: germline.
Comment: This sequence change replaces isoleucine, which is neutral and non-polar, with valine, which is neutral and non-polar, at codon 172 of the SLC52A3 protein (p.Ile172Val). This variant is present in population databases (rs201479216, gnomAD 0.0009%). This variant has not been reported in the literature in individuals affected with SLC52A3-related conditions. ClinVar contains an entry for this variant (Variation ID: 960645). Algorithms developed to predict the effect of missense changes on protein structure and function (SIFT, PolyPhen-2, Align-GVGD) all suggest that this variant is likely to be tolerated. Algorithms developed to predict the effect of sequence changes on RNA splicing suggest that this variant may create or strengthen a splice site. In summary, the available evidence is currently insufficient to determine the role of this variant in disease. Therefore, it has been classified as a Variant of Uncertain Significance.